The following is an entry in ClinVar:

ClinVar aggregate classification (germline): Benign/Likely benign. Review status: criteria provided, multiple submitters, no conflicts (2 of 4 stars). 2 submissions from 2 submitters: Benign (1); Likely benign (1). Last evaluated 2024-09-11.

Conditions:
Hereditary diffuse gastric adenocarcinoma (HDGC). Also called: DIFFUSE GASTRIC AND LOBULAR BREAST CANCER SYNDROME. Identifiers: Orphanet 26106, MedGen C1708349, MONDO:0007648, OMIM 137215.

Submissions (2):

Myriad Genetics, Inc.
Classification: Benign for Hereditary diffuse gastric adenocarcinoma. Last evaluated: 2024-09-11. Review status: criteria provided, single submitter. Criteria: Myriad Autosomal Dominant, Autosomal Recessive and X-Linked Classification Criteria (2023). Collection method: clinical testing. Allele origin: unknown.
Comment: This variant is considered benign. This variant is a silent/synonymous amino acid change and it is not expected to impact splicing.

Labcorp Genetics (formerly Invitae), Labcorp
Classification: Likely benign for Hereditary diffuse gastric adenocarcinoma. Last evaluated: 2017-09-18. Review status: criteria provided, single submitter. Criteria: Invitae Variant Classification Sherloc (09022015). Collection method: clinical testing. Allele origin: germline.

NM_004360.5(CDH1):c.90T>G (p.Pro30=)

Gene: CDH1 (cadherin 1; plus strand). Cytogenetic location: 16q22.1.
Variant type: single nucleotide variant.
Coding change: c.90T>G on transcript NM_004360.5 (MANE Select); coding-DNA position 90, T replaced by G.
Protein change: p.Pro30=; no amino-acid change (proline 30 retained).
Molecular consequence: synonymous variant. On other transcripts: 5 prime UTR variant (2).
Genome position (GRCh38, 1-based): chr16:68,738,338, T>G. VCF-style: chr16-68738338-T-G. GRCh37 (hg19) VCF-style: chr16-68772241-T-G.
Other names: c.90T>G (LRG_301t1); c.90T>G, p.Pro30= (NM_001317184.2); c.-1526T>G (NM_001317185.2); c.-1730T>G (NM_001317186.2).
Identifiers: ClinVar variation 532484 (VCV000532484.10), dbSNP rs1555509766, ClinGen allele CA496149602.